The following is an entry in ClinVar:

ClinVar aggregate classification (germline): Pathogenic. Review status: criteria provided, multiple submitters, no conflicts (2 of 4 stars). 2 submissions from 2 submitters: Pathogenic (2). Last evaluated 2023-07-12.

Conditions:
Granulomatous disease, chronic, X-linked. Also called: GRANULOMATOUS DISEASE, CHRONIC, X-LINKED, SOMATIC MOSAIC; CYTOCHROME b-NEGATIVE GRANULOMATOUS DISEASE, CHRONIC, X-LINKED. Identifiers: Orphanet 379, MedGen C1844376, MONDO:0010600, OMIM 306400.

Submissions (2):

GeneDx
Classification: Pathogenic. Last evaluated: 2023-07-12. Review status: criteria provided, single submitter. Criteria: GeneDx Variant Classification Process June 2021. Collection method: clinical testing. Allele origin: germline. Affected: yes.
Comment: Nonsense variant predicted to result in protein truncation or nonsense mediated decay in a gene for which loss of function is a known mechanism of disease; Not observed at significant frequency in large population cohorts (gnomAD); This variant is associated with the following publications: (PMID: 22929960, 25525159, 8634410)

Labcorp Genetics (formerly Invitae), Labcorp
Classification: Pathogenic for Chronic granulomatous disease, X-linked. Last evaluated: 2019-11-25. Review status: criteria provided, single submitter. Criteria: Invitae Variant Classification Sherloc (09022015). Collection method: clinical testing. Allele origin: germline.
Comment: This sequence change creates a premature translational stop signal (p.Trp337*) in the CYBB gene. It is expected to result in an absent or disrupted protein product. This variant is not present in population databases (ExAC no frequency). This variant has been observed in individual(s) with chronic granulomatous disease (PMID: 8634410, 22929960). This variant is also known as g.24926G>A in the literature. Loss-of-function variants in CYBB are known to be pathogenic (PMID: 9585602, 20729109). For these reasons, this variant has been classified as Pathogenic.

Literature cited by the submitters: PubMed 22929960 (cited by Labcorp Genetics (formerly Invitae), Labcorp); PubMed 8634410 (cited by Labcorp Genetics (formerly Invitae), Labcorp).

NM_000397.4(CYBB):c.1010G>A (p.Trp337Ter)

Gene: CYBB (cytochrome b-245 beta chain; plus strand). Cytogenetic location: Xp11.4.
Variant type: single nucleotide variant.
Coding change: c.1010G>A on transcript NM_000397.4 (MANE Select); coding-DNA position 1010, G replaced by A.
Protein change: p.Trp337Ter; replaces tryptophan 337 with a stop codon.
Molecular consequence: nonsense.
Genome position (GRCh38, 1-based): chrX:37,803,989, G>A. VCF-style: chrX-37803989-G-A. GRCh37 (hg19) VCF-style: chrX-37663242-G-A.
Other names: short protein forms W337*.
Identifiers: ClinVar variation 962575 (VCV000962575.4), dbSNP rs1929500338, ClinGen allele CA412977268.